The following is an entry in ClinVar:

NM_001242896.3(DEPDC5):c.3682A>C (p.Ile1228Leu)

Gene: DEPDC5 (DEP domain containing 5, GATOR1 subcomplex subunit; plus strand). Cytogenetic location: 22q12.3.
Variant type: single nucleotide variant.
Coding change: c.3682A>C on transcript NM_001242896.3 (MANE Select); coding-DNA position 3682, A replaced by C.
Protein change: p.Ile1228Leu; replaces isoleucine 1228 with leucine.
Molecular consequence: missense variant. On other transcripts: non-coding transcript variant (4).
Genome position (GRCh38, 1-based): chr22:31,874,391, A>C. VCF-style: chr22-31874391-A-C. GRCh37 (hg19) VCF-style: chr22-32270377-A-C.
Other names: c.3655A>C, p.Ile1219Leu (NM_001136029.4); c.3382A>C, p.Ile1128Leu (NM_001242897.2); c.3616A>C, p.Ile1206Leu (NM_001363852.2, NM_001364320.2); c.3448A>C, p.Ile1150Leu (NM_001363854.2, NM_001364319.2); c.3682A>C, p.Ile1228Leu (NM_001364318.2); c.3598A>C, p.Ile1200Leu (NM_001369901.1, NM_001369902.1); c.3589A>C, p.Ile1197Leu (NM_001369903.1, NM_014662.6); short protein forms I1150L, I1197L, I1200L, I1219L, I1128L, I1206L, I1228L.
Identifiers: ClinVar variation 1941967 (VCV001941967.5), dbSNP rs2092934575, ClinGen allele CA411278209.

ClinVar aggregate classification (germline): Uncertain significance (1 of 4 stars; one submission).

Conditions:
Familial focal epilepsy with variable foci (FPEVF). Identifiers: Orphanet 98820, MedGen C1858477, MONDO:0020310.

Submission:

Labcorp Genetics (formerly Invitae), Labcorp
Classification: Uncertain significance for Familial focal epilepsy with variable foci. Last evaluated: 2022-09-07. Review status: criteria provided, single submitter. Criteria: Invitae Variant Classification Sherloc (09022015). Collection method: clinical testing. Allele origin: germline.
Comment: This sequence change replaces isoleucine, which is neutral and non-polar, with leucine, which is neutral and non-polar, at codon 1228 of the DEPDC5 protein (p.Ile1228Leu). In summary, the available evidence is currently insufficient to determine the role of this variant in disease. Therefore, it has been classified as a Variant of Uncertain Significance. Algorithms developed to predict the effect of missense changes on protein structure and function are either unavailable or do not agree on the potential impact of this missense change (SIFT: "Tolerated"; PolyPhen-2: "Not Available"; Align-GVGD: "Class C0"). This variant has not been reported in the literature in individuals affected with DEPDC5-related conditions. This variant is not present in population databases (gnomAD no frequency).